The following is an entry in ClinVar:

ClinVar aggregate classification (germline): Pathogenic. Review status: criteria provided, multiple submitters, no conflicts (2 of 4 stars). 9 submissions from 9 submitters: Pathogenic (9). Last evaluated 2025-12-06.

Conditions:
Hereditary cancer-predisposing syndrome. Also called: Hereditary neoplastic syndrome; Hereditary Cancer Syndrome; Tumor predisposition; Neoplastic Syndromes, Hereditary. Identifiers: Orphanet 140162, MedGen C0027672, MeSH D009386, MONDO:0015356.
Familial cancer of breast. Also called: hereditary breast carcinoma; Hereditary breast cancer; BREAST CANCER, FAMILIAL. Identifiers: Orphanet 227535, MedGen C0346153, MONDO:0016419, OMIM 114480. Disease mechanism: loss of function.

Allele frequency attached by ClinVar (database versions not stated): ExAC 0.00001; gnomAD exomes 0.00001.
gnomAD v4.1: 2 of 1,613,928 alleles (0.00012%); highest among the groups gnomAD compares: Admixed American, 0.0033%; no homozygotes.

Submissions (9):

GeneDx
Classification: Pathogenic. Last evaluated: 2025-12-06. Review status: criteria provided, single submitter. Criteria: GeneDx Variant Classification Process June 2021. Collection method: clinical testing. Allele origin: germline. Affected: yes.
Comment: Observed in an individual with breast and colorectal cancer (PMID: 29909963); Nonsense variant predicted to result in protein truncation or nonsense mediated decay in a gene for which loss of function is a known mechanism of disease; Not observed at significant frequency in large population cohorts (gnomAD); Truncating variants in this gene are considered pathogenic by a well-established clinical consortium and/or database; This variant is associated with the following publications: (PMID: 32581362, 30799775, 17200668, 17200671, 17200672, 24136930, 25099575, 29922827, 29909963)

Labcorp Genetics (formerly Invitae), Labcorp
Classification: Pathogenic for Familial cancer of breast. Last evaluated: 2025-11-17. Review status: criteria provided, single submitter. Criteria: Invitae Variant Classification Sherloc (09022015). Collection method: clinical testing. Allele origin: germline.
Comment: This sequence change creates a premature translational stop signal (p.Leu21*) in the PALB2 gene. It is expected to result in an absent or disrupted protein product. Loss-of-function variants in PALB2 are known to be pathogenic (PMID: 17200668, 17200671, 17200672, 24136930, 25099575). This variant is present in population databases (rs769240800, gnomAD 0.006%). This variant has not been reported in the literature in individuals affected with PALB2-related conditions. ClinVar contains an entry for this variant (Variation ID: 439237). For these reasons, this variant has been classified as Pathogenic.

Ambry Genetics
Classification: Pathogenic for Hereditary cancer-predisposing syndrome. Last evaluated: 2025-03-26. Review status: criteria provided, single submitter. Criteria: Ambry Variant Classification Scheme 2023. Collection method: clinical testing. Allele origin: germline.
Comment: The p.L21* pathogenic mutation (also known as c.62T>G), located in coding exon 2 of the PALB2 gene, results from a T to G substitution at nucleotide position 62. This changes the amino acid from a leucine to a stop codon within coding exon 2. This alteration is expected to result in loss of function by premature protein truncation or nonsense-mediated mRNA decay. As such, this alteration is interpreted as a disease-causing mutation.

Baylor Genetics
Classification: Pathogenic for Familial cancer of breast. Last evaluated: 2024-01-11. Review status: criteria provided, single submitter. Criteria: ACMG Guidelines, 2015. Collection method: clinical testing. Allele origin: unknown.

Myriad Genetics, Inc.
Classification: Pathogenic for Familial cancer of breast. Last evaluated: 2023-09-05. Review status: criteria provided, single submitter. Criteria: Myriad Autosomal Dominant, Autosomal Recessive and X-Linked Classification Criteria (2023). Collection method: clinical testing. Allele origin: unknown.
Comment: This variant is considered pathogenic. This variant creates a termination codon and is predicted to result in premature protein truncation.

Color Diagnostics, LLC DBA Color Health
Classification: Pathogenic for Hereditary cancer-predisposing syndrome. Last evaluated: 2021-10-12. Review status: criteria provided, single submitter. Criteria: ACMG Guidelines, 2015. Collection method: clinical testing. Allele origin: germline.
Comment: This variant changes 1 nucleotide in exon 2 of the PALB2 gene, creating a premature translation stop signal. This variant is expected to result in an absent or non-functional protein product. This variant has been reported in one individual affected with breast cancer in the literature (PMID: 29909963). This variant has been identified in 2/251470 chromosomes in the general population by the Genome Aggregation Database (gnomAD). Loss of PALB2 function is a known mechanism of disease. Based on the available evidence, this variant is classified as Pathogenic.

Sema4
Classification: Pathogenic for Hereditary cancer-predisposing syndrome. Last evaluated: 2021-08-10. Review status: criteria provided, single submitter. Criteria: Sema4 Curation Guidelines. Collection method: curation. Allele origin: germline.
Comment: The PALB2 c.62T>G (p.L21*) variant has been reported in heterozygosity in at least one individual with breast and colon cancer (PMID: 29909963). This nonsense variant creates a premature stop codon at residue 21 of the PALB2 protein. Loss of function variants in PALB2 are known to be pathogenic (PMID: 17200668). It was observed in 2/34592 chromosomes of the Latino subpopulation in the large and broad cohorts of the Genome Aggregation Database (PMID: 32461654). The variant has been reported in ClinVar (Variation ID 439237). Based on the current evidence available, this variant is interpreted as pathogenic.

Quest Diagnostics Nichols Institute San Juan Capistrano
Classification: Pathogenic. Last evaluated: 2020-03-15. Review status: criteria provided, single submitter. Criteria: Quest Diagnostics criteria. Collection method: clinical testing. Allele origin: unknown.
Comment: The variant creates a premature nonsense codon, and is therefore predicted to result in the loss of a functional protein. Found in at least one patient with expected phenotype for this gene, and found in general population data at a frequency that is consistent with pathogenicity.

Academic Department of Medical Genetics, University of Cambridge
Classification: Pathogenic for Hereditary cancer-predisposing syndrome. Last evaluated: 2018-01-26. Review status: criteria provided, single submitter. Criteria: ACMG Guidelines, 2015. Collection method: research. Allele origin: germline. Affected: yes. Observed: 1 heterozygote.
Comment: Application of AMCG guidelines 2015. Used other ClinVar submission evidence where relevant. Loss of heterozygosity in tumours or immunohistochemistry abnormalities considered functional evidence of pathogenicity.

Identified as part of research study of individuals with multiple primary tumours referred for genetic assessment

Literature cited by the submitters: PubMed 17200668 (cited by Labcorp Genetics (formerly Invitae), Labcorp and Sema4); PubMed 17200671 (cited by Labcorp Genetics (formerly Invitae), Labcorp); PubMed 17200672 (cited by Labcorp Genetics (formerly Invitae), Labcorp); PubMed 24136930 (cited by Labcorp Genetics (formerly Invitae), Labcorp); PubMed 25099575 (cited by Labcorp Genetics (formerly Invitae), Labcorp); PubMed 29909963 (cited by 3 submitters).

NM_024675.4(PALB2):c.62T>G (p.Leu21Ter)

Gene: PALB2 (partner and localizer of BRCA2; minus strand). Cytogenetic location: 16p12.2.
Variant type: single nucleotide variant.
Coding change: c.62T>G on transcript NM_024675.4 (MANE Select); coding-DNA position 62, T replaced by G.
Protein change: p.Leu21Ter; replaces leucine 21 with a stop codon.
Molecular consequence: nonsense.
Genome position (GRCh38, 1-based): chr16:23,638,116, A>C on the plus strand (T>G on the coding strand, the complement: PALB2 is on the minus strand). VCF-style: chr16-23638116-A-C. GRCh37 (hg19) VCF-style: chr16-23649437-A-C.
Other names: short protein forms L21*.
Identifiers: ClinVar variation 439237 (VCV000439237.30), dbSNP rs769240800, ClinGen allele CA7963863.